The following is an entry in ClinVar:

ClinVar aggregate classification (germline): Uncertain significance (1 of 4 stars; one submission).

Allele frequency attached by ClinVar (database versions not stated): gnomAD exomes below 0.00001.
gnomAD v4.1: 1 of 1,614,150 alleles (0.000062%); highest among the groups gnomAD compares: Admixed American, 0.0017%; no homozygotes.

Submission:

Labcorp Genetics (formerly Invitae), Labcorp
Classification: Uncertain significance. Last evaluated: 2023-10-27. Review status: criteria provided, single submitter. Criteria: Invitae Variant Classification Sherloc (09022015). Collection method: clinical testing. Allele origin: germline.
Comment: This sequence change replaces leucine, which is neutral and non-polar, with proline, which is neutral and non-polar, at codon 4933 of the FAT4 protein (p.Leu4933Pro). This variant is not present in population databases (gnomAD no frequency). This variant has not been reported in the literature in individuals affected with FAT4-related conditions. Advanced modeling of protein sequence and biophysical properties (such as structural, functional, and spatial information, amino acid conservation, physicochemical variation, residue mobility, and thermodynamic stability) performed at Invitae indicates that this missense variant is not expected to disrupt FAT4 protein function with a negative predictive value of 95%. In summary, the available evidence is currently insufficient to determine the role of this variant in disease. Therefore, it has been classified as a Variant of Uncertain Significance.

NM_001291303.3(FAT4):c.14804T>C (p.Leu4935Pro)

Gene: FAT4 (FAT atypical cadherin 4; plus strand). Cytogenetic location: 4q28.1.
Variant type: single nucleotide variant.
Coding change: c.14804T>C on transcript NM_001291303.3 (MANE Select); coding-DNA position 14804, T replaced by C.
Protein change: p.Leu4935Pro; replaces leucine 4935 with proline.
Molecular consequence: missense variant.
Genome position (GRCh38, 1-based): chr4:125,491,620, T>C. VCF-style: chr4-125491620-T-C. GRCh37 (hg19) VCF-style: chr4-126412775-T-C.
Other names: c.14801T>C, p.Leu4934Pro (NM_001291285.3); c.14798T>C, p.Leu4933Pro (NM_024582.6); short protein forms L4933P, L4934P, L4935P.
Identifiers: ClinVar variation 2811716 (VCV002811716.3), dbSNP rs2530092866, ClinGen allele CA358143713.